The following is an entry in ClinVar:

ClinVar aggregate classification (germline): Pathogenic. Review status: criteria provided, multiple submitters, no conflicts (2 of 4 stars). 2 submissions from 2 submitters: Pathogenic (2). Last evaluated 2024-02-07.

Conditions:
Osteogenesis imperfecta (OI). Identifiers: Orphanet 666, MedGen C0029434, MeSH D010013, MONDO:0019019.
Osteoporosis. Identifiers: MedGen C0029456, MONDO:0005298, OMIM 166710, HP:0000939.
Osteogenesis imperfecta type I (OI1). Also called: OI, TYPE I; OSTEOGENESIS IMPERFECTA TARDA; OSTEOGENESIS IMPERFECTA WITH BLUE SCLERAE; Osteogenesis imperfecta type 1; Lobstein's Disease; Lobstein disease. Identifiers: Orphanet 216796, Orphanet 666, MedGen C0023931, MONDO:0008146, OMIM 166200. Disease mechanism: loss of function.
Ehlers-Danlos syndrome, arthrochalasia type. Also called: Ehlers-Danlos syndrome, arthrochalasis type; ARTHROCHALASIS MULTIPLEX CONGENITA; EDS VII, MUTANT PROCOLLAGEN TYPE; EDS VIIA; Ehlers-Danlos syndrome, arthrochalasia type, 1. Identifiers: Orphanet 1899, Orphanet 99875, Orphanet 99876, MedGen C4551623, MONDO:0007525, OMIM 130060.
Combined osteogenesis imperfecta and Ehlers-Danlos syndrome 1. Also called: OIEDS SYNDROME 1. Identifiers: MedGen C5436842, MONDO:0030854, OMIM 619115.
Infantile cortical hyperostosis. Also called: Caffey Disease; Hyperostosis, Cortical, Congenital; P1PK BLOOD GROUP SYSTEM, P(2) PHENOTYPE. Identifiers: Orphanet 1310, MedGen C0020497, MONDO:0007244, OMIM 114000.
Osteogenesis imperfecta, perinatal lethal (OI2). Also called: OI, TYPE II; OSTEOGENESIS IMPERFECTA CONGENITA; VROLIK TYPE OF OSTEOGENESIS IMPERFECTA; OSTEOGENESIS IMPERFECTA, TYPE II; Osteogenesis imperfecta type 2; Osteogenesis imperfecta, dominant perinatal lethal. Identifiers: Orphanet 216804, MedGen C0268358, MONDO:0008147, OMIM 166210.
Osteogenesis imperfecta type III (OI3). Also called: Osteogenesis imperfecta type 3; OI type 3; Osteogenesis imperfecta, progressively deforming with normal sclerae; OI type III; Progressively Deforming Osteogenesis Imperfecta. Identifiers: Orphanet 216812, Orphanet 666, MedGen C0268362, MONDO:0009804, OMIM 259420.
Osteogenesis imperfecta with normal sclerae, dominant form (OI4). Also called: OSTEOGENESIS IMPERFECTA WITH NORMAL SCLERAE; Osteogenesis imperfecta type 4; OSTEOGENESIS IMPERFECTA, TYPE IV, WITH DENTINOGENESIS IMPERFECTA; Osteogenesis Imperfecta Type IV; Common Variable Osteogenesis Imperfecta with Normal Sclerae. Identifiers: Orphanet 216820, Orphanet 666, MedGen C0268363, MONDO:0008148, OMIM 166220.

Submissions (2):

Fulgent Genetics
Classification: Pathogenic for Infantile cortical hyperostosis; Ehlers-Danlos syndrome, arthrochalasia type; Osteogenesis imperfecta type I; Osteogenesis imperfecta, perinatal lethal; Osteogenesis imperfecta with normal sclerae, dominant form; Osteoporosis; Osteogenesis imperfecta type III; Combined osteogenesis imperfecta and Ehlers-Danlos syndrome 1. Last evaluated: 2024-02-07. Review status: criteria provided, single submitter. Criteria: ACMG Guidelines, 2015. Collection method: clinical testing. Allele origin: germline.

Genetics Department, Polish Mother's Memorial Hospital Research Institute
Classification: Pathogenic for Osteogenesis imperfecta. Last evaluated: 2020-04-06. Review status: criteria provided, single submitter. Criteria: ACMG Guidelines, 2015. Collection method: research. Allele origin: unknown. Affected: yes. Observed: 2 variant alleles.
Comment: Until now parents were not available for clinical testing.

NM_000088.4(COL1A1):c.1646del (p.Pro549fs)

Gene: COL1A1 (collagen type I alpha 1 chain; minus strand). Cytogenetic location: 17q21.33.
Variant type: Deletion.
Coding change: c.1646del on transcript NM_000088.4 (MANE Select); coding-DNA position 1646, one base deleted (C; older notation c.1646delC).
Protein change: p.Pro549fs; shifts the reading frame from proline 549.
Molecular consequence: frameshift variant.
Genome position (GRCh38, 1-based): chr17:50,194,152, G deleted on the plus strand (C on the coding strand, the reverse complement: COL1A1 is on the minus strand); the first of 2 consecutive G bases (chr17:50,194,152-50,194,153); deleting either gives the same sequence. VCF-style (leftmost placement, unchanged base first): chr17-50194151-AG-A. GRCh37 (hg19) VCF-style: chr17-48271512-AG-A.
Other names: short protein forms P549fs.
Identifiers: ClinVar variation 870103 (VCV000870103.3), dbSNP rs1907351704, ClinGen allele CA1139665705.
Genomic context (GRCh38, chr17:50,194,151, plus strand): 5'-CAGGACAATGGCAGGGGGTTCAGGGGGAGTGATACTTACAGGGGGGCCAGTTTTGCCATC[AG>A]GACCAGGGCTGCCAGGGCTTCCAGTCAGACCCTAGGGAGGCAGAGAGGTATGAGTGGGAC-3'